The following is an entry in ClinVar:

NM_014989.7(RIMS1):c.865G>A (p.Glu289Lys)

Gene: RIMS1 (regulating synaptic membrane exocytosis 1; plus strand). Cytogenetic location: 6q13.
Variant type: single nucleotide variant.
Coding change: c.865G>A on transcript NM_014989.7 (MANE Select); coding-DNA position 865, G replaced by A.
Protein change: p.Glu289Lys; replaces glutamic acid 289 with lysine.
Molecular consequence: missense variant.
Genome position (GRCh38, 1-based): chr6:72,182,336, G>A. VCF-style: chr6-72182336-G-A. GRCh37 (hg19) VCF-style: chr6-72892039-G-A.
Other names: short protein forms E289K.
Identifiers: ClinVar variation 1523992 (VCV001523992.8), dbSNP rs2153970118, ClinGen allele CA364819665.

ClinVar aggregate classification (germline): Uncertain significance (1 of 4 stars; one submission).

Submission:

Labcorp Genetics (formerly Invitae), Labcorp
Classification: Uncertain significance. Last evaluated: 2020-10-30. Review status: criteria provided, single submitter. Criteria: Invitae Variant Classification Sherloc (09022015). Collection method: clinical testing. Allele origin: germline.
Comment: In summary, the available evidence is currently insufficient to determine the role of this variant in disease. Therefore, it has been classified as a Variant of Uncertain Significance. Algorithms developed to predict the effect of missense changes on protein structure and function are either unavailable or do not agree on the potential impact of this missense change (SIFT: "Deleterious"; PolyPhen-2: "Benign"; Align-GVGD: "Class C15"). This variant has not been reported in the literature in individuals with RIMS1-related conditions. This variant is not present in population databases (ExAC no frequency). This sequence change replaces glutamic acid with lysine at codon 289 of the RIMS1 protein (p.Glu289Lys). The glutamic acid residue is highly conserved and there is a small physicochemical difference between glutamic acid and lysine.